The following is an entry in ClinVar:

ClinVar aggregate classification (germline): Pathogenic (1 of 4 stars; one submission).

Submission:

Labcorp Genetics (formerly Invitae), Labcorp
Classification: Pathogenic. Last evaluated: 2023-05-22. Review status: criteria provided, single submitter. Criteria: Invitae Variant Classification Sherloc (09022015). Collection method: clinical testing. Allele origin: germline.
Comment: For these reasons, this variant has been classified as Pathogenic. Algorithms developed to predict the effect of sequence changes on RNA splicing suggest that this variant may create or strengthen a splice site. This variant has not been reported in the literature in individuals affected with TYMP-related conditions. This variant is not present in population databases (gnomAD no frequency). This sequence change creates a premature translational stop signal (p.Glu344*) in the TYMP gene. It is expected to result in an absent or disrupted protein product. Loss-of-function variants in TYMP are known to be pathogenic (PMID: 9924029, 15781193).

Literature cited by the submitters: PubMed 9924029; PubMed 15781193.

NM_001953.5(TYMP):c.1030G>T (p.Glu344Ter)

Genes: SCO2 (synthesis of cytochrome C oxidase 2; minus strand), TYMP (thymidine phosphorylase; minus strand), LOC130067862 (ATAC-STARR-seq lymphoblastoid silent region 13986; plus strand). Cytogenetic location: 22q13.33.
Variant type: single nucleotide variant.
Coding change: c.1030G>T on transcript NM_001953.5 (MANE Select); coding-DNA position 1030, G replaced by T.
Protein change: p.Glu344Ter; replaces glutamic acid 344 with a stop codon.
Molecular consequence: nonsense. On other transcripts: 5 prime UTR variant (1).
Genome position (GRCh38, 1-based): chr22:50,526,375, C>A on the plus strand (G>T on the coding strand, the complement: TYMP is on the minus strand). VCF-style: chr22-50526375-C-A. GRCh37 (hg19) VCF-style: chr22-50964804-C-A.
Other names: c.1030G>T, p.Glu344Ter (NM_001113755.3, NM_001113756.3, NM_001257988.1 and 1 more transcripts); c.-143G>T (NM_001169109.2); short protein forms E344*.
Identifiers: ClinVar variation 2866953 (VCV002866953.3), dbSNP rs1085307802, ClinGen allele CA412197868.
Genomic context (GRCh38, chr22:50,526,375, plus strand): 5'-TTCCCGAGCACAGGGCTCGGGCCAGACCGGGATCCACGCCCTGCGCCGCCAGCATCCGCT[C>A]GAAGCGGCCAAGGGCCGAGCCGTCGTCCAGCGCCGCGGCCACCCGGGCAGCGCCCTGGGC-3'